The following is an entry in ClinVar:

NM_018418.5(SPATA7):c.1588A>G (p.Ser530Gly)

Gene: SPATA7 (spermatogenesis associated 7; plus strand). Cytogenetic location: 14q31.3.
Variant type: single nucleotide variant.
Coding change: c.1588A>G on transcript NM_018418.5 (MANE Select); coding-DNA position 1588, A replaced by G.
Protein change: p.Ser530Gly; replaces serine 530 with glycine.
Molecular consequence: missense variant.
Genome position (GRCh38, 1-based): chr14:88,438,210, A>G. VCF-style: chr14-88438210-A-G. GRCh37 (hg19) VCF-style: chr14-88904554-A-G.
Other names: c.1492A>G, p.Ser498Gly (NM_001040428.4); short protein forms S498G, S530G.
Identifiers: ClinVar variation 3748083 (VCV003748083.2).

ClinVar aggregate classification (germline): Uncertain significance (1 of 4 stars; one submission).

Conditions:
Leber congenital amaurosis 3 (LCA3). Also called: SPATA7-Related Retinitis Pigmentosa. Identifiers: MedGen C1858677, MONDO:0011415, OMIM 604232.

gnomAD v4.1: 5 of 1,613,904 alleles (0.00031%); highest among the groups gnomAD compares: Admixed American, 0.0017%; no homozygotes.

Submission:

Labcorp Genetics (formerly Invitae), Labcorp
Classification: Uncertain significance for Leber congenital amaurosis 3. Last evaluated: 2024-11-07. Review status: criteria provided, single submitter. Criteria: Invitae Variant Classification Sherloc (09022015). Collection method: clinical testing. Allele origin: germline.
Comment: This sequence change replaces serine, which is neutral and polar, with glycine, which is neutral and non-polar, at codon 530 of the SPATA7 protein (p.Ser530Gly). This variant is not present in population databases (gnomAD no frequency). This variant has not been reported in the literature in individuals affected with SPATA7-related conditions. Invitae Evidence Modeling of protein sequence and biophysical properties (such as structural, functional, and spatial information, amino acid conservation, physicochemical variation, residue mobility, and thermodynamic stability) has been performed for this missense variant. However, the output from this modeling did not meet the statistical confidence thresholds required to predict the impact of this variant on SPATA7 protein function. In summary, the available evidence is currently insufficient to determine the role of this variant in disease. Therefore, it has been classified as a Variant of Uncertain Significance.